The following is an entry in ClinVar:

NM_001127208.3(TET2):c.3184G>T (p.Val1062Phe)

Genes: TET2 (tet methylcytosine dioxygenase 2; plus strand), TET2-AS1 (TET2 antisense RNA 1; minus strand). Cytogenetic location: 4q24.
Variant type: single nucleotide variant.
Coding change: c.3184G>T on transcript NM_001127208.3 (MANE Select); coding-DNA position 3184, G replaced by T.
Protein change: p.Val1062Phe; replaces valine 1062 with phenylalanine.
Molecular consequence: missense variant.
Genome position (GRCh38, 1-based): chr4:105,237,126, G>T. VCF-style: chr4-105237126-G-T. GRCh37 (hg19) VCF-style: chr4-106158283-G-T.
Other names: c.3184G>T, p.Val1062Phe (NM_017628.4); short protein forms V1062F.
Identifiers: ClinVar variation 4594117 (VCV004594117.1).

ClinVar aggregate classification (germline): Uncertain significance (1 of 4 stars; one submission).

gnomAD v4.1: 1 of 1,614,128 alleles (0.000062%); highest among the groups gnomAD compares: South Asian, 0.0011%; no homozygotes.

Submission:

Ambry Genetics
Classification: Uncertain significance. Last evaluated: 2025-09-19. Review status: criteria provided, single submitter. Criteria: Ambry Variant Classification Scheme 2023. Collection method: clinical testing. Allele origin: germline.
Comment: The p.V1062F variant (also known as c.3184G>T), located in coding exon 1 of the TET2 gene, results from a G to T substitution at nucleotide position 3184. The valine at codon 1062 is replaced by phenylalanine, an amino acid with highly similar properties. This amino acid position is conserved. In addition, this alteration is predicted to be tolerated by in silico analysis. Based on the available evidence, the clinical significance of this variant remains unclear.